The following is an entry in ClinVar:

NM_006231.4(POLE):c.3847G>A (p.Ala1283Thr)

Gene: POLE (DNA polymerase epsilon, catalytic subunit; minus strand). Cytogenetic location: 12q24.33.
Variant type: single nucleotide variant.
Coding change: c.3847G>A on transcript NM_006231.4 (MANE Select); coding-DNA position 3847, G replaced by A.
Protein change: p.Ala1283Thr; replaces alanine 1283 with threonine.
Molecular consequence: missense variant.
Genome position (GRCh38, 1-based): chr12:132,649,464, C>T on the plus strand (G>A on the coding strand, the complement: POLE is on the minus strand). VCF-style: chr12-132649464-C-T. GRCh37 (hg19) VCF-style: chr12-133226050-C-T.
Other names: c.3847G>A (NM_006231.2); short protein forms A1283T.
Identifiers: ClinVar variation 1947282 (VCV001947282.6), dbSNP rs1565946083, ClinGen allele CA387385437.

ClinVar aggregate classification (germline): Uncertain significance. Review status: criteria provided, multiple submitters, no conflicts (2 of 4 stars). 2 submissions from 2 submitters: Uncertain significance (2). Last evaluated 2025-05-13.

Conditions:
Hereditary cancer-predisposing syndrome. Also called: Tumor predisposition; Hereditary neoplastic syndrome; Neoplastic Syndromes, Hereditary; Hereditary Cancer Syndrome. Identifiers: Orphanet 140162, MedGen C0027672, MeSH D009386, MONDO:0015356.

Allele frequency attached by ClinVar (database versions not stated): TOPMed below 0.00001; gnomAD 0.00001.
gnomAD v4.1: 1 of 1,612,078 alleles (0.000062%); highest among the groups gnomAD compares: African/African-American, 0.0013%; no homozygotes.

Submissions (2):

Labcorp Genetics (formerly Invitae), Labcorp
Classification: Uncertain significance. Last evaluated: 2025-05-13. Review status: criteria provided, single submitter. Criteria: Invitae Variant Classification Sherloc (09022015). Collection method: clinical testing. Allele origin: germline.
Comment: This sequence change replaces alanine, which is neutral and non-polar, with threonine, which is neutral and polar, at codon 1283 of the POLE protein (p.Ala1283Thr). This variant is not present in population databases (gnomAD no frequency). This variant has not been reported in the literature in individuals affected with POLE-related conditions. ClinVar contains an entry for this variant (Variation ID: 1947282). Invitae Evidence Modeling of protein sequence and biophysical properties (such as structural, functional, and spatial information, amino acid conservation, physicochemical variation, residue mobility, and thermodynamic stability) indicates that this missense variant is not expected to disrupt POLE protein function with a negative predictive value of 80%. In summary, the available evidence is currently insufficient to determine the role of this variant in disease. Therefore, it has been classified as a Variant of Uncertain Significance.

Ambry Genetics
Classification: Uncertain significance for Hereditary cancer-predisposing syndrome. Last evaluated: 2024-06-09. Review status: criteria provided, single submitter. Criteria: Ambry Variant Classification Scheme 2023. Collection method: clinical testing. Allele origin: germline.
Comment: The p.A1283T variant (also known as c.3847G>A), located in coding exon 31 of the POLE gene, results from a G to A substitution at nucleotide position 3847. The alanine at codon 1283 is replaced by threonine, an amino acid with similar properties. This amino acid position is conserved. In addition, this alteration is predicted to be tolerated by in silico analysis. Based on the available evidence, the clinical significance of this variant remains unclear.